The following is an entry in ClinVar:

ClinVar aggregate classification (germline): Benign/Likely benign. Review status: criteria provided, multiple submitters, no conflicts (2 of 4 stars). 9 submissions from 9 submitters: Benign (3); Likely benign (4). 2 of the submissions do not count toward it. Last evaluated 2026-01-01.

Conditions:
ZEB2-related disorder. Also called: ZEB2-related condition.
Inborn genetic diseases. Identifiers: MedGen C0950123, MeSH D030342.
Mowat-Wilson syndrome (MOWS). Also called: Classic Mowat-Wilson Syndrome. Identifiers: Orphanet 2152, MedGen C1856113, MONDO:0009341, OMIM 235730.

Allele frequency attached by ClinVar (database versions not stated): 1000 Genomes Project 30x 0.00016; 1000 Genomes Project 0.00020; TOPMed 0.00027; ESP Exome Variant Server 0.00031; gnomAD 0.00031 and 0.00033; gnomAD exomes 0.00031 and 0.00040; ExAC 0.00039.
gnomAD v4.1: 623 of 1,614,156 alleles (0.039%); highest among the groups gnomAD compares: Non-Finnish European, 0.05%; no homozygotes.

Submissions (9):

Labcorp Genetics (formerly Invitae), Labcorp
Classification: Likely benign for Mowat-Wilson syndrome. Last evaluated: 2026-01-01. Review status: criteria provided, single submitter. Criteria: Invitae Variant Classification Sherloc (09022015). Collection method: clinical testing. Allele origin: germline.

PreventionGenetics, part of Exact Sciences
Classification: Likely benign for ZEB2-related condition. Last evaluated: 2025-05-20. Review status: criteria provided, single submitter. Criteria: ACMG Guidelines, 2015. Collection method: clinical testing. Allele origin: germline.
Comment: This variant is classified as likely benign based on ACMG/AMP sequence variant interpretation guidelines (Richards et al. 2015 PMID: 25741868, with internal and published modifications).

CeGaT Center for Human Genetics Tuebingen
Classification: Likely benign. Last evaluated: 2022-05-01. Review status: criteria provided, single submitter. Criteria: CeGaT Center For Human Genetics Tuebingen Variant Classification Criteria Version 2. Collection method: clinical testing. Allele origin: germline. Affected: yes. Observed: 3 variant alleles.
Comment: ZEB2: BP4, BS2

Genome-Nilou Lab
Classification: Benign for Mowat-Wilson syndrome. Last evaluated: 2021-11-07. Review status: criteria provided, single submitter. Criteria: ACMG Guidelines, 2015. Collection method: clinical testing. Allele origin: germline. Affected: no.

Ambry Genetics
Classification: Likely benign for Inborn genetic diseases. Last evaluated: 2016-06-14. Review status: criteria provided, single submitter. Criteria: Ambry Variant Classification Scheme 2023. Collection method: clinical testing. Allele origin: germline.

Eurofins Ntd Llc (ga)
Classification: Benign. Last evaluated: 2016-06-10. Review status: criteria provided, single submitter. Criteria: EGL Classification Definitions 2015. Collection method: clinical testing. Allele origin: germline. Observed: 1 variant allele, 1 heterozygote.

GeneDx
Classification: Benign. Last evaluated: 2012-12-19. Review status: criteria provided, single submitter. Criteria: GeneDx Variant Classification (06012015). Collection method: clinical testing. Allele origin: germline. Affected: yes.
Comment: This variant is considered likely benign or benign based on one or more of the following criteria: it is a conservative change, it occurs at a poorly conserved position in the protein, it is predicted to be benign by multiple in silico algorithms, and/or has population frequency not consistent with disease.

Clinical Genetics DNA and cytogenetics Diagnostics Lab, Erasmus MC, Erasmus Medical Center
Classification: Likely benign. Review status: no assertion criteria provided. Collection method: clinical testing. Allele origin: germline. Affected: yes. Study: VKGL Data-share Consensus. Not counted in ClinVar's aggregate classification.

Genome Diagnostics Laboratory, University Medical Center Utrecht
Classification: Likely benign. Review status: no assertion criteria provided. Collection method: clinical testing. Allele origin: germline. Affected: yes. Study: VKGL Data-share Consensus. Not counted in ClinVar's aggregate classification.

NM_014795.4(ZEB2):c.759C>T (p.Arg253=)

Gene: ZEB2 (zinc finger E-box binding homeobox 2; minus strand). Cytogenetic location: 2q22.3.
Variant type: single nucleotide variant.
Coding change: c.759C>T on transcript NM_014795.4 (MANE Select); coding-DNA position 759, C replaced by T.
Protein change: p.Arg253=; no amino-acid change (arginine 253 retained).
Molecular consequence: synonymous variant.
Genome position (GRCh38, 1-based): chr2:144,403,964, G>A on the plus strand (C>T on the coding strand, the complement: ZEB2 is on the minus strand). VCF-style: chr2-144403964-G-A. GRCh37 (hg19) VCF-style: chr2-145161531-G-A.
Other names: p.R253R:CGC>CGT; c.687C>T, p.Arg229= (NM_001171653.2).
Identifiers: ClinVar variation 137943 (VCV000137943.49), dbSNP rs150853991, ClinGen allele CA291665.